The following is an entry in ClinVar:

ClinVar aggregate classification (germline): Uncertain significance. Review status: criteria provided, multiple submitters, no conflicts (2 of 4 stars). 2 submissions from 2 submitters: Uncertain significance (2). Last evaluated 2023-12-21.

Conditions:
Early-onset Parkinson disease 20. Also called: PARKINSON DISEASE 20, AUTOSOMAL RECESSIVE EARLY-ONSET. Identifiers: Orphanet 391411, MedGen C3809824, MONDO:0014233, OMIM 615530.
Developmental and epileptic encephalopathy, 53. Also called: Epileptic encephalopathy, early infantile, 53. Identifiers: MedGen C4479313, MONDO:0033362, OMIM 617389.

Allele frequency attached by ClinVar (database versions not stated): ExAC 0.00001; gnomAD 0.00001; gnomAD exomes 0.00002; TOPMed 0.00002; ESP Exome Variant Server 0.00015.
gnomAD v4.1: 35 of 1,614,046 alleles (0.0022%); highest among the groups gnomAD compares: Non-Finnish European, 0.0029%; no homozygotes.

Submissions (2):

Blueprint Genetics
Classification: Uncertain significance. Last evaluated: 2023-12-21. Review status: criteria provided, single submitter. Criteria: ACMG Guidelines, 2015. Collection method: clinical testing. Allele origin: germline.

Labcorp Genetics (formerly Invitae), Labcorp
Classification: Uncertain significance for Developmental and epileptic encephalopathy, 53; Early-onset Parkinson disease 20. Last evaluated: 2022-04-10. Review status: criteria provided, single submitter. Criteria: Invitae Variant Classification Sherloc (09022015). Collection method: clinical testing. Allele origin: germline.
Comment: This sequence change replaces leucine, which is neutral and non-polar, with phenylalanine, which is neutral and non-polar, at codon 1397 of the SYNJ1 protein (p.Leu1397Phe). This variant is present in population databases (rs370232202, gnomAD 0.002%). This variant has not been reported in the literature in individuals affected with SYNJ1-related conditions. Algorithms developed to predict the effect of missense changes on protein structure and function (SIFT, PolyPhen-2, Align-GVGD) all suggest that this variant is likely to be tolerated. In summary, the available evidence is currently insufficient to determine the role of this variant in disease. Therefore, it has been classified as a Variant of Uncertain Significance.

NM_203446.3(SYNJ1):c.*162G>T

Gene: SYNJ1 (synaptojanin 1; minus strand). Cytogenetic location: 21q22.11.
Variant type: single nucleotide variant.
Coding change: c.*162G>T on transcript NM_203446.3 (MANE Select); 162 bases downstream of the stop codon, G replaced by T.
Molecular consequence: 3 prime UTR variant. On other transcripts: missense variant (2).
Genome position (GRCh38, 1-based): chr21:32,631,643, C>A on the plus strand (G>T on the coding strand, the complement: SYNJ1 is on the minus strand). VCF-style: chr21-32631643-C-A. GRCh37 (hg19) VCF-style: chr21-34003953-C-A.
Other names: c.*162G>T (NM_001160302.2); c.3933G>T, p.Leu1311Phe (NM_001160306.2); c.4191G>T, p.Leu1397Phe (NM_003895.4); short protein forms L1311F, L1397F.
Identifiers: ClinVar variation 2160357 (VCV002160357.2), dbSNP rs370232202, ClinGen allele CA10003169.